The following is an entry in ClinVar:

ClinVar aggregate classification (germline): Uncertain significance (1 of 4 stars; one submission).

Allele frequency attached by ClinVar (database versions not stated): TOPMed below 0.00001 and 0.00001; ExAC 0.00001; gnomAD 0.00001; gnomAD exomes 0.00001.
gnomAD v4.1: 5 of 1,613,028 alleles (0.00031%); highest among the groups gnomAD compares: African/African-American, 0.0027%; no homozygotes.

Submission:

Laboratory for Molecular Medicine, Mass General Brigham Personalized Medicine
Classification: Uncertain significance. Last evaluated: 2016-10-25. Review status: criteria provided, single submitter. Criteria: LMM Criteria. Collection method: clinical testing. Allele origin: germline. Observed: 2 variant alleles.
Comment: The p.Asn4282Ser variant in TTN has not been previously reported in individuals with cardiomyopathy, but has been identified in 1/66454 European chromosomes by the Exome Aggregation Consortium (ExAC; dbSNP rs 767376352). Computational prediction tools and conservation analysis do not prov ide strong support for or against an impact to the protein. In summary, the clin ical significance of the p.Asn4282Ser variant is uncertain.

NM_001267550.2(TTN):c.16577A>G (p.Asn5526Ser)

Gene: TTN (titin; minus strand). Cytogenetic location: 2q31.2.
Variant type: single nucleotide variant.
Coding change: c.16577A>G on transcript NM_001267550.2 (MANE Select); coding-DNA position 16577, A replaced by G.
Protein change: p.Asn5526Ser; replaces asparagine 5526 with serine.
Molecular consequence: missense variant. On other transcripts: intron variant (3).
Genome position (GRCh38, 1-based): chr2:178,732,484, T>C on the plus strand (A>G on the coding strand, the complement: TTN is on the minus strand). VCF-style: chr2-178732484-T-C. GRCh37 (hg19) VCF-style: chr2-179597211-T-C.
Other names: c.12845A>G, p.Asn4282Ser (NM_133378.4); c.15626A>G, p.Asn5209Ser (NM_001256850.1); c.13282+5598A>G (NM_003319.4); c.13858+5598A>G (NM_133437.4); c.13657+5598A>G (NM_133432.3); short protein forms N4282S, N5526S, N5209S.
Identifiers: ClinVar variation 505376 (VCV000505376.5), dbSNP rs767376352, ClinGen allele CA2002016.